The following is an entry in ClinVar:

NM_133497.4(KCNV2):c.48G>C (p.Trp16Cys)

Gene: KCNV2 (potassium voltage-gated channel modifier subfamily V member 2; plus strand). Cytogenetic location: 9p24.2.
Variant type: single nucleotide variant.
Coding change: c.48G>C on transcript NM_133497.4 (MANE Select); coding-DNA position 48, G replaced by C.
Protein change: p.Trp16Cys; replaces tryptophan 16 with cysteine.
Molecular consequence: missense variant.
Genome position (GRCh38, 1-based): chr9:2,717,787, G>C. VCF-style: chr9-2717787-G-C. GRCh37 (hg19) VCF-style: chr9-2717787-G-C.
Other names: short protein forms W16C.
Identifiers: ClinVar variation 193485 (VCV000193485.18), dbSNP rs146685593, ClinGen allele CA239009.
Genomic context (GRCh38, chr9:2,717,787, plus strand): 5'-ACTTTCCGCAGCCATGCTCAAACAGAGTGAGAGGAGACGGTCCTGGAGCTACAGGCCCTG[G>C]AACACGACGGAGAATGAGGGCAGCCAACACCGCAGGAGCATTTGCTCCCTGGGTGCCCGT-3'
Protein context (NP_598004.1, residues 6-26): ERRRSWSYRP[Trp16Cys]NTTENEGSQH

ClinVar aggregate classification (germline): Uncertain significance. Review status: criteria provided, multiple submitters, no conflicts (2 of 4 stars). 7 submissions from 7 submitters: Uncertain significance (5). 2 of the submissions do not count toward it. Last evaluated 2024-10-29.

Conditions:
KCNV2-related disorder. Also called: KCNV2-related condition.
Optic atrophy. Identifiers: MedGen C0029124, MONDO:0003608, HP:0000648.
Inborn genetic diseases. Identifiers: MedGen C0950123, MeSH D030342.
Cone dystrophy with supernormal rod response (CDSRR). Also called: CONE DYSTROPHY WITH SUPERNORMAL ROD RESPONSES. Identifiers: Orphanet 209932, MedGen C1835897, MONDO:0012475, OMIM 610356.

Allele frequency attached by ClinVar (database versions not stated): gnomAD exomes 0.00005 and 0.00014; ExAC 0.00019; gnomAD 0.00046 and 0.00050; TOPMed 0.00057; 1000 Genomes Project 0.00060; 1000 Genomes Project 30x 0.00062; ESP Exome Variant Server 0.00077.

Submissions (7):

Ambry Genetics
Classification: Uncertain significance for Inborn genetic diseases. Last evaluated: 2024-10-29. Review status: criteria provided, single submitter. Criteria: Ambry Variant Classification Scheme 2023. Collection method: clinical testing. Allele origin: germline.

Blueprint Genetics
Classification: Uncertain significance. Last evaluated: 2024-09-05. Review status: criteria provided, single submitter. Criteria: ACMG Guidelines, 2015. Collection method: clinical testing. Allele origin: germline.

Labcorp Genetics (formerly Invitae), Labcorp
Classification: Uncertain significance. Last evaluated: 2022-10-12. Review status: criteria provided, single submitter. Criteria: Invitae Variant Classification Sherloc (09022015). Collection method: clinical testing. Allele origin: germline.
Comment: This sequence change replaces tryptophan, which is neutral and slightly polar, with cysteine, which is neutral and slightly polar, at codon 16 of the KCNV2 protein (p.Trp16Cys). This variant is present in population databases (rs146685593, gnomAD 0.2%). This variant has not been reported in the literature in individuals affected with KCNV2-related conditions. ClinVar contains an entry for this variant (Variation ID: 193485). Algorithms developed to predict the effect of missense changes on protein structure and function are either unavailable or do not agree on the potential impact of this missense change (SIFT: "Deleterious"; PolyPhen-2: "Probably Damaging"; Align-GVGD: "Class C0"). In summary, the available evidence is currently insufficient to determine the role of this variant in disease. Therefore, it has been classified as a Variant of Uncertain Significance.

Illumina Laboratory Services, Illumina
Classification: Uncertain significance for Cone dystrophy with supernormal rod response. Last evaluated: 2018-01-12. Review status: criteria provided, single submitter. Criteria: ICSL Variant Classification Criteria 13 December 2019. Collection method: clinical testing. Allele origin: germline.

Eurofins Ntd Llc (ga)
Classification: Uncertain significance. Last evaluated: 2015-02-24. Review status: criteria provided, single submitter. Criteria: EGL Classification Definitions 2015. Collection method: clinical testing. Allele origin: germline. Observed: 1 variant allele, 1 heterozygote.

PreventionGenetics, part of Exact Sciences
Classification: Likely benign for KCNV2-related condition. Last evaluated: 2024-06-24. Review status: no assertion criteria provided. Collection method: clinical testing. Allele origin: germline. Not counted in ClinVar's aggregate classification.
Comment: This variant is classified as likely benign based on ACMG/AMP sequence variant interpretation guidelines (Richards et al. 2015 PMID: 25741868, with internal and published modifications).

Institute of Human Genetics, Univ. Regensburg, Univ. Regensburg
Classification: Uncertain significance for Optic atrophy. Last evaluated: 2022-01-01. Review status: no assertion criteria provided. Criteria: ACMG Guidelines, 2015. Collection method: clinical testing. Allele origin: germline. Affected: yes. Not counted in ClinVar's aggregate classification.